The following is an entry in ClinVar:

NM_001035.3(RYR2):c.463+6dup

Gene: RYR2 (ryanodine receptor 2; plus strand). Cytogenetic location: 1q43.
Variant type: Duplication.
Coding change: c.463+6dup on transcript NM_001035.3 (MANE Select); 6 bases into the intron after coding-DNA position 463, one base duplicated (C; older notation c.463+6dupC).
Genome position (GRCh38, 1-based): chr1:237,374,801, C duplicated. VCF-style (leftmost placement, unchanged base first): chr1-237374800-G-GC. GRCh37 (hg19) VCF-style: chr1-237538100-G-GC.
Other names: c.463+6dupC (NM_001035.3); c.463+6dup (NM_001035.2).
Identifiers: ClinVar variation 43789 (VCV000043789.21), dbSNP rs397516534, ClinGen allele CA009608.

ClinVar aggregate classification (germline): Benign/Likely benign. Review status: criteria provided, multiple submitters, no conflicts (2 of 4 stars). 6 submissions from 6 submitters: Benign (2); Likely benign (4). Last evaluated 2026-05-04.

Conditions:
Cardiomyopathy (CMYO). Also called: Cardiomyopathies. Identifiers: Orphanet 167848, MedGen C0878544, MONDO:0004994, HP:0001638. Inheritance: Various modes of inheritance.
Catecholaminergic polymorphic ventricular tachycardia 1. Also called: VENTRICULAR TACHYCARDIA, CATECHOLAMINERGIC POLYMORPHIC, 1, WITH OR WITHOUT ATRIAL DYSFUNCTION AND/OR DILATED CARDIOMYOPATHY; VENTRICULAR TACHYCARDIA, STRESS-INDUCED POLYMORPHIC 1; RYR2-Related Catecholaminergic Polymorphic Ventricular Tachycardia. Identifiers: Orphanet 3286, MedGen C1631597, MONDO:0011484, OMIM 604772.

Allele frequency attached by ClinVar (database versions not stated): gnomAD exomes 0.00002 and 0.00010; ExAC 0.00019; gnomAD 0.00034 and 0.00036; TOPMed 0.00036; ESP Exome Variant Server 0.00043; 1000 Genomes Project 0.00120; 1000 Genomes Project 30x 0.00156.

Submissions (6):

Women's Health and Genetics/Laboratory Corporation of America, LabCorp
Classification: Benign. Last evaluated: 2026-05-04. Review status: criteria provided, single submitter. Criteria: LabCorp Variant Classification Summary - May 2015. Collection method: clinical testing. Allele origin: germline.

Labcorp Genetics (formerly Invitae), Labcorp
Classification: Likely benign for Catecholaminergic polymorphic ventricular tachycardia 1. Last evaluated: 2026-01-19. Review status: criteria provided, single submitter. Criteria: Invitae Variant Classification Sherloc (09022015). Collection method: clinical testing. Allele origin: germline.

Blueprint Genetics
Classification: Likely benign. Last evaluated: 2020-08-25. Review status: criteria provided, single submitter. Criteria: ACMG Guidelines, 2015. Collection method: clinical testing. Allele origin: germline.

Color Diagnostics, LLC DBA Color Health
Classification: Benign for Cardiomyopathy. Last evaluated: 2019-10-22. Review status: criteria provided, single submitter. Criteria: ACMG Guidelines, 2015. Collection method: clinical testing. Allele origin: germline.

GeneDx
Classification: Likely benign. Last evaluated: 2016-10-11. Review status: criteria provided, single submitter. Criteria: GeneDx Variant Classification (06012015). Collection method: clinical testing. Allele origin: germline. Affected: yes.
Comment: This variant is considered likely benign or benign based on one or more of the following criteria: it is a conservative change, it occurs at a poorly conserved position in the protein, it is predicted to be benign by multiple in silico algorithms, and/or has population frequency not consistent with disease.

Laboratory for Molecular Medicine, Mass General Brigham Personalized Medicine
Classification: Likely benign. Last evaluated: 2012-04-18. Review status: criteria provided, single submitter. Criteria: LMM Criteria. Collection method: clinical testing. Allele origin: germline. Observed: 1 variant allele.
Comment: 463+6_463+7insC in intron 7 of RYR2: This variant is not expected to have clinic al significance because it is not located within the splice consensus sequence.